The following is an entry in ClinVar:

NM_198428.3(BBS9):c.11T>A (p.Phe4Tyr)

Gene: BBS9 (Bardet-Biedl syndrome 9; plus strand). Cytogenetic location: 7p14.3.
Variant type: single nucleotide variant.
Coding change: c.11T>A on transcript NM_198428.3 (MANE Select); coding-DNA position 11, T replaced by A.
Protein change: p.Phe4Tyr; replaces phenylalanine 4 with tyrosine.
Molecular consequence: missense variant. On other transcripts: 5 prime UTR variant (3), non-coding transcript variant (3), intron variant (4).
Genome position (GRCh38, 1-based): chr7:33,146,263, T>A. VCF-style: chr7-33146263-T-A. GRCh37 (hg19) VCF-style: chr7-33185875-T-A.
Other names: c.11T>A, p.Phe4Tyr (NM_001033604.2, NM_001033605.2, NM_001348036.1 and 5 more transcripts); c.-291T>A (NM_001348037.3); c.-267T>A (NM_001348038.3, NM_001348039.3); c.-23-6438T>A (NM_001348042.3); c.-189-6438T>A (NM_001348045.3); c.-39+16222T>A (NM_001348046.3, NM_001348044.3); c.11T>A (NM_198428.2); short protein forms F4Y.
Identifiers: ClinVar variation 1060829 (VCV001060829.8), dbSNP rs746345067, ClinGen allele CA4213847.

ClinVar aggregate classification (germline): Uncertain significance. Review status: criteria provided, multiple submitters, no conflicts (2 of 4 stars). 3 submissions from 3 submitters: Uncertain significance (2). 1 of the submissions does not count toward it. Last evaluated 2024-03-07.

Conditions:
Bardet-Biedl syndrome (BBS). Identifiers: Orphanet 110, MedGen C0752166, MONDO:0015229.
BBS9-related disorder. Also called: BBS9-related condition.
Bardet-Biedl syndrome 9 (BBS9). Identifiers: Orphanet 110, MedGen C1859567, MONDO:0014437, OMIM 615986.

Allele frequency attached by ClinVar (database versions not stated): gnomAD exomes below 0.00001; TOPMed below 0.00001; ExAC 0.00001.
gnomAD v4.1: 15 of 1,613,062 alleles (0.00093%); highest among the groups gnomAD compares: Non-Finnish European, 0.0013%; no homozygotes.

Submissions (3):

Fulgent Genetics
Classification: Uncertain significance for Bardet-Biedl syndrome 9. Last evaluated: 2024-03-07. Review status: criteria provided, single submitter. Criteria: ACMG Guidelines, 2015. Collection method: clinical testing. Allele origin: germline.

Labcorp Genetics (formerly Invitae), Labcorp
Classification: Uncertain significance for Bardet-Biedl syndrome. Last evaluated: 2022-07-27. Review status: criteria provided, single submitter. Criteria: Invitae Variant Classification Sherloc (09022015). Collection method: clinical testing. Allele origin: germline.
Comment: This sequence change replaces phenylalanine, which is neutral and non-polar, with tyrosine, which is neutral and polar, at codon 4 of the BBS9 protein (p.Phe4Tyr). This variant is present in population databases (rs746345067, gnomAD 0.0009%). This variant has not been reported in the literature in individuals affected with BBS9-related conditions. ClinVar contains an entry for this variant (Variation ID: 1060829). Algorithms developed to predict the effect of missense changes on protein structure and function are either unavailable or do not agree on the potential impact of this missense change (SIFT: "Deleterious"; PolyPhen-2: "Probably Damaging"; Align-GVGD: "Class C15"). Algorithms developed to predict the effect of sequence changes on RNA splicing suggest that this variant may disrupt the consensus splice site. In summary, the available evidence is currently insufficient to determine the role of this variant in disease. Therefore, it has been classified as a Variant of Uncertain Significance.

PreventionGenetics, part of Exact Sciences
Classification: Uncertain significance for BBS9-related condition. Last evaluated: 2024-06-07. Review status: no assertion criteria provided. Collection method: clinical testing. Allele origin: germline. Not counted in ClinVar's aggregate classification.
Comment: The BBS9 c.11T>A variant is predicted to result in the amino acid substitution p.Phe4Tyr. To our knowledge, this variant has not been reported in the literature. This variant is reported in 0.00088% of alleles in individuals of European (Non-Finnish) descent in gnomAD. At this time, the clinical significance of this variant is uncertain due to the absence of conclusive functional and genetic evidence.